The following is an entry in ClinVar:

ClinVar aggregate classification (germline): Uncertain significance (1 of 4 stars; one submission).

Conditions:
Holoprosencephaly 9 (HPE9). Also called: PITUITARY ANOMALIES WITH HOLOPROSENCEPHALY-LIKE FEATURES; HOLOPROSENCEPHALY WITH MICROPHTHALMIA AND FIRST BRANCHIAL ARCH ANOMALIES. Identifiers: Orphanet 2162, MedGen C1835819, MONDO:0012563, OMIM 610829.
Postaxial polydactyly-anterior pituitary anomalies-facial dysmorphism syndrome. Also called: Culler-Jones syndrome. Identifiers: Orphanet 420584, MedGen C4014479, MONDO:0014369, OMIM 615849.

Submission:

Labcorp Genetics (formerly Invitae), Labcorp
Classification: Uncertain significance for Postaxial polydactyly-anterior pituitary anomalies-facial dysmorphism syndrome; Holoprosencephaly 9. Last evaluated: 2024-11-28. Review status: criteria provided, single submitter. Criteria: Invitae Variant Classification Sherloc (09022015). Collection method: clinical testing. Allele origin: germline.
Comment: This sequence change replaces proline, which is neutral and non-polar, with leucine, which is neutral and non-polar, at codon 1228 of the GLI2 protein (p.Pro1228Leu). This variant is not present in population databases (gnomAD no frequency). This variant has not been reported in the literature in individuals affected with GLI2-related conditions. Invitae Evidence Modeling of protein sequence and biophysical properties (such as structural, functional, and spatial information, amino acid conservation, physicochemical variation, residue mobility, and thermodynamic stability) indicates that this missense variant is not expected to disrupt GLI2 protein function with a negative predictive value of 80%. In summary, the available evidence is currently insufficient to determine the role of this variant in disease. Therefore, it has been classified as a Variant of Uncertain Significance.

NM_001374353.1(GLI2):c.3632C>T (p.Pro1211Leu)

Gene: GLI2 (GLI family zinc finger 2; plus strand). Cytogenetic location: 2q14.2.
Variant type: single nucleotide variant.
Coding change: c.3632C>T on transcript NM_001374353.1 (MANE Select); coding-DNA position 3632, C replaced by T.
Protein change: p.Pro1211Leu; replaces proline 1211 with leucine.
Molecular consequence: missense variant.
Genome position (GRCh38, 1-based): chr2:120,989,597, C>T. VCF-style: chr2-120989597-C-T. GRCh37 (hg19) VCF-style: chr2-121747173-C-T.
Other names: c.3683C>T, p.Pro1228Leu (NM_001371271.1, NM_005270.5); c.3257C>T, p.Pro1086Leu (NM_001374354.1); short protein forms P1086L, P1211L, P1228L.
Identifiers: ClinVar variation 3758061 (VCV003758061.2).
Genomic context (GRCh38, chr2:120,989,597, plus strand): 5'-GCAGCGGAGCCCCCTCCCAGGGCATCCCCAGGGTAAACTACATGCAGCAGCTGCGACAGC[C>T]AGTGGCAGGCAGCCAGTGTCCTGGCATGACTACCACTATGAGCCCCCATGCCTGCTATGG-3'
Protein context (NP_001361282.1, residues 1201-1221): RVNYMQQLRQ[Pro1211Leu]VAGSQCPGMT